The following is an entry in ClinVar:

NM_000037.4(ANK1):c.2407C>T (p.Arg803Ter)

Gene: ANK1 (ankyrin 1; minus strand). Cytogenetic location: 8p11.21.
Variant type: single nucleotide variant.
Coding change: c.2407C>T on transcript NM_000037.4 (MANE Select); coding-DNA position 2407, C replaced by T.
Protein change: p.Arg803Ter; replaces arginine 803 with a stop codon.
Molecular consequence: nonsense.
Genome position (GRCh38, 1-based): chr8:41,701,604, G>A on the plus strand (C>T on the coding strand, the complement: ANK1 is on the minus strand). VCF-style: chr8-41701604-G-A. GRCh37 (hg19) VCF-style: chr8-41559122-G-A.
Other names: p.Arg803*; c.2506C>T, p.Arg836Ter (NM_001142446.2); c.2407C>T, p.Arg803Ter (NM_020475.3, NM_020476.3, NM_020477.3); short protein forms R803*, R836*.
Identifiers: ClinVar variation 2683376 (VCV002683376.2), dbSNP rs2486817952, ClinGen allele CA371065035.

ClinVar aggregate classification (germline): Pathogenic/Likely pathogenic. Review status: criteria provided, multiple submitters, no conflicts (2 of 4 stars). 2 submissions from 2 submitters: Pathogenic (1); Likely pathogenic (1). Last evaluated 2024-06-03.

Conditions:
Hereditary spherocytosis type 1. Also called: Spherocytosis type 1; ANK1-Related Spherocytosis. Identifiers: Orphanet 822, MedGen C2674218, MONDO:0008447, OMIM 182900.

Submissions (2):

Revvity Omics, Revvity
Classification: Pathogenic for Hereditary spherocytosis type 1. Last evaluated: 2024-06-03. Review status: criteria provided, single submitter. Criteria: ACMG Guidelines, 2015. Collection method: clinical testing. Allele origin: germline.

Mayo Clinic Laboratories, Mayo Clinic
Classification: Likely pathogenic. Last evaluated: 2022-02-08. Review status: criteria provided, single submitter. Criteria: ACMG Guidelines, 2015. Collection method: clinical testing. Allele origin: germline. Observed: 2 variant alleles.
Comment: PM2, PVS1